The following is an entry in ClinVar:

ClinVar aggregate classification (germline): Uncertain significance (1 of 4 stars; one submission).

Conditions:
Familial adenomatous polyposis 1 (FAP1). Also called: POLYPOSIS, ADENOMATOUS INTESTINAL; FAMILIAL ADENOMATOUS POLYPOSIS 1, ATTENUATED. Identifiers: MedGen C2713442, MONDO:0021056, OMIM 175100. Disease mechanism: loss of function.

Submission:

Labcorp Genetics (formerly Invitae), Labcorp
Classification: Uncertain significance for Familial adenomatous polyposis 1. Last evaluated: 2025-03-12. Review status: criteria provided, single submitter. Criteria: Invitae Variant Classification Sherloc (09022015). Collection method: clinical testing. Allele origin: germline.
Comment: This variant occurs in a non-coding region of the APC gene. It does not change the encoded amino acid sequence of the APC protein. This variant is not present in population databases (gnomAD no frequency). This variant has not been reported in the literature in individuals affected with APC-related conditions. Experimental studies and prediction algorithms are not available or were not evaluated, and the functional significance of this variant is currently unknown. In summary, the available evidence is currently insufficient to determine the role of this variant in disease. Therefore, it has been classified as a Variant of Uncertain Significance.

NM_001127511.3(APC):c.104G>A (p.Arg35Gln)

Gene: APC (APC regulator of Wnt signaling pathway; plus strand). Cytogenetic location: 5q22.2.
Variant type: single nucleotide variant.
Coding change: c.104G>A on transcript NM_001127511.3; coding-DNA position 104, G replaced by A.
Protein change: p.Arg35Gln; replaces arginine 35 with glutamine.
Molecular consequence: missense variant. On other transcripts: 5 prime UTR variant (8), non-coding transcript variant (1), intron variant (5).
Genome position (GRCh38, 1-based): chr5:112,707,821, G>A. VCF-style: chr5-112707821-G-A. GRCh37 (hg19) VCF-style: chr5-112043518-G-A.
Other names: c.-80G>A (NM_001354895.2, NM_001407447.1, NM_001407452.1 and 3 more transcripts); c.104G>A, p.Arg35Gln (NM_001354897.2, NM_001354902.2, NM_001407446.1); c.-1115G>A (NM_001407470.1, NM_001407472.1); c.-19+172G>A (NM_001407448.1, NM_001407450.1, NM_001407457.1 and 1 more transcripts); c.-43+172G>A (NM_001407453.1); short protein forms R35Q.
Identifiers: ClinVar variation 4714677 (VCV004714677.1).